The following is an entry in ClinVar:

ClinVar aggregate classification (germline): Uncertain significance (1 of 4 stars; one submission).

Conditions:
Hereditary cancer-predisposing syndrome. Also called: Hereditary Cancer Syndrome; Neoplastic Syndromes, Hereditary; Tumor predisposition; Hereditary neoplastic syndrome. Identifiers: Orphanet 140162, MedGen C0027672, MeSH D009386, MONDO:0015356.

Submission:

Ambry Genetics
Classification: Uncertain significance for Hereditary cancer-predisposing syndrome. Last evaluated: 2026-07-07. Review status: criteria provided, single submitter. Criteria: Ambry Variant Classification Scheme 2023. Collection method: clinical testing. Allele origin: germline.
Comment: The p.N650S variant (also known as c.1949A>G), located in coding exon 16 of the EGFR gene, results from an A to G substitution at nucleotide position 1949. The asparagine at codon 650 is replaced by serine, an amino acid with highly similar properties. This amino acid position is conserved. In addition, this alteration is predicted to be tolerated by in silico analysis. Based on the available evidence, the clinical significance of this variant remains unclear.

NM_005228.5(EGFR):c.1881-800A>G

Gene: EGFR (epidermal growth factor receptor; plus strand). Cytogenetic location: 7p11.2.
Variant type: single nucleotide variant.
Coding change: c.1881-800A>G on transcript NM_005228.5 (MANE Select); 800 bases into the intron before coding-DNA position 1881, A replaced by G.
Molecular consequence: intron variant. On other transcripts: missense variant (1).
Genome position (GRCh38, 1-based): chr7:55,170,375, A>G. VCF-style: chr7-55170375-A-G. GRCh37 (hg19) VCF-style: chr7-55238068-A-G.
Other names: c.1949A>G, p.Asn650Ser (NM_201284.2); c.1746-800A>G (NM_001346899.2, NM_001346897.2); c.1080-800A>G (NM_001346941.2); c.1881-800A>G (NM_001346898.2); c.1722-800A>G (NM_001346900.2); short protein forms N650S.
Identifiers: ClinVar variation 5035759 (VCV005035759.1).